The following is an entry in ClinVar:

ClinVar aggregate classification (germline): Pathogenic. Review status: criteria provided, multiple submitters, no conflicts (2 of 4 stars). 2 submissions from 2 submitters: Pathogenic (2). Last evaluated 2025-05-12.

gnomAD v4.1: 2 of 1,536,074 alleles (0.00013%); highest among the groups gnomAD compares: Non-Finnish European, 0.00017%; no homozygotes.

Submissions (2):

Labcorp Genetics (formerly Invitae), Labcorp
Classification: Pathogenic. Last evaluated: 2025-05-12. Review status: criteria provided, single submitter. Criteria: Invitae Variant Classification Sherloc (09022015). Collection method: clinical testing. Allele origin: germline.
Comment: This sequence change creates a premature translational stop signal (p.Arg321*) in the TCF3 gene. It is expected to result in an absent or disrupted protein product. Loss-of-function variants in TCF3 are known to be pathogenic (PMID: 24216514, 30063982, 37277074). The frequency data for this variant in the population databases is considered unreliable, as metrics indicate poor data quality at this position in the gnomAD database. This variant has not been reported in the literature in individuals affected with TCF3-related conditions. ClinVar contains an entry for this variant (Variation ID: 2420906). For these reasons, this variant has been classified as Pathogenic.

CeGaT Center for Human Genetics Tuebingen
Classification: Pathogenic. Last evaluated: 2023-10-01. Review status: criteria provided, single submitter. Criteria: CeGaT Center For Human Genetics Tuebingen Variant Classification Criteria Version 2. Collection method: clinical testing. Allele origin: germline. Affected: yes. Observed: 1 variant allele.
Comment: TCF3: PVS1, PM2

Literature cited by the submitters: PubMed 24216514 (cited by Labcorp Genetics (formerly Invitae), Labcorp); PubMed 30063982 (cited by Labcorp Genetics (formerly Invitae), Labcorp); PubMed 37277074 (cited by Labcorp Genetics (formerly Invitae), Labcorp).

NM_003200.5(TCF3):c.961C>T (p.Arg321Ter)

Gene: TCF3 (transcription factor 3; minus strand). Cytogenetic location: 19p13.3.
Variant type: single nucleotide variant.
Coding change: c.961C>T on transcript NM_003200.5 (MANE Select); coding-DNA position 961, C replaced by T.
Protein change: p.Arg321Ter; replaces arginine 321 with a stop codon.
Molecular consequence: nonsense.
Genome position (GRCh38, 1-based): chr19:1,621,186, G>A on the plus strand (C>T on the coding strand, the complement: TCF3 is on the minus strand). VCF-style: chr19-1621186-G-A. GRCh37 (hg19) VCF-style: chr19-1621185-G-A.
Other names: c.961C>T, p.Arg321Ter (NM_001136139.4, NM_001351778.2, NM_001351779.2); short protein forms R321*.
Identifiers: ClinVar variation 2420906 (VCV002420906.30), dbSNP rs1159477032, ClinGen allele CA403054492.